The following is an entry in ClinVar:

ClinVar aggregate classification (germline): Uncertain significance (0 of 4 stars; one submission).

Conditions:
CTTNBP2-related disorder. Also called: CTTNBP2-related condition.

gnomAD v4.1: 1 of 1,612,458 alleles (0.000062%); highest among the groups gnomAD compares: East Asian, 0.0022%; no homozygotes.

Submission:

PreventionGenetics, part of Exact Sciences
Classification: Uncertain significance for CTTNBP2-related condition. Last evaluated: 2024-05-31. Review status: no assertion criteria provided. Collection method: clinical testing. Allele origin: germline.
Comment: The CTTNBP2 c.2852A>T variant is predicted to result in the amino acid substitution p.His951Leu. To our knowledge, this variant has not been reported in the literature or in a large population database, indicating this variant is rare. At this time, the clinical significance of this variant is uncertain due to the absence of conclusive functional and genetic evidence.

NM_033427.3(CTTNBP2):c.2852A>T (p.His951Leu)

Gene: CTTNBP2 (cortactin binding protein 2; minus strand). Cytogenetic location: 7q31.31.
Variant type: single nucleotide variant.
Coding change: c.2852A>T on transcript NM_033427.3 (MANE Select); coding-DNA position 2852, A replaced by T.
Protein change: p.His951Leu; replaces histidine 951 with leucine.
Molecular consequence: missense variant.
Genome position (GRCh38, 1-based): chr7:117,767,103, T>A on the plus strand (A>T on the coding strand, the complement: CTTNBP2 is on the minus strand). VCF-style: chr7-117767103-T-A. GRCh37 (hg19) VCF-style: chr7-117407157-T-A.
Other names: c.2798A>T, p.His933Leu (NM_001363349.1); c.755A>T, p.His252Leu (NM_001363350.1, NM_001363351.1); short protein forms H252L, H933L, H951L.
Identifiers: ClinVar variation 3346492 (VCV003346492.1).